The following is an entry in ClinVar:

NM_152384.3(BBS5):c.900G>C (p.Val300=)

Gene: BBS5 (Bardet-Biedl syndrome 5; plus strand). Cytogenetic location: 2q31.1.
Variant type: single nucleotide variant.
Coding change: c.900G>C on transcript NM_152384.3 (MANE Select); coding-DNA position 900, G replaced by C.
Protein change: p.Val300=; no amino-acid change (valine 300 retained).
Molecular consequence: synonymous variant.
Genome position (GRCh38, 1-based): chr2:169,503,178, G>C. VCF-style: chr2-169503178-G-C. GRCh37 (hg19) VCF-style: chr2-170359688-G-C.
Identifiers: ClinVar variation 437994 (VCV000437994.9), dbSNP rs757001492, ClinGen allele CA1956354.

ClinVar aggregate classification (germline): Uncertain significance. Review status: criteria provided, multiple submitters, no conflicts (2 of 4 stars). 6 submissions from 6 submitters: Uncertain significance (5). 1 of the submissions does not count toward it. Last evaluated 2025-08-29.

Conditions:
BBS5-related disorder. Also called: BBS5-related condition.
Retinal dystrophy. Also called: Inherited retinal dystrophy. Identifiers: Orphanet 71862, MedGen C0854723, MeSH D058499, MONDO:0019118, HP:0000556.
Bardet-Biedl syndrome (BBS). Identifiers: Orphanet 110, MedGen C0752166, MONDO:0015229.
Bardet-Biedl syndrome 5 (BBS5). Identifiers: Orphanet 110, MedGen C3892039, MONDO:0014434, OMIM 615983.
Cone dystrophy. Identifiers: Orphanet 1871, MedGen C0730290, MONDO:0000455.

Allele frequency attached by ClinVar (database versions not stated): gnomAD 0.00001; TOPMed 0.00001; ExAC 0.00002; gnomAD exomes 0.00002 and 0.00003.
gnomAD v4.1: 39 of 1,607,098 alleles (0.0024%); highest among the groups gnomAD compares: Non-Finnish European, 0.0031%; no homozygotes.

Submissions (6):

PreventionGenetics, part of Exact Sciences
Classification: Uncertain significance for BBS5-related condition. Last evaluated: 2025-08-29. Review status: criteria provided, single submitter. Criteria: ACMG Guidelines, 2015. Collection method: clinical testing. Allele origin: germline.
Comment: The BBS5 c.900G>C variant is not predicted to result in an amino acid change (p.=). This variant is predicted to not alter splicing based on available splicing prediction programs (SpliceAI, Jaganathan et al. 2019. PubMed ID: 30661751). However, the use of computer prediction programs is not equivalent to functional evidence. This variant has been reported in an individual with cone dystrophy who also carried a likely pathogenic variant in BBS5 (Table S2, Carss et al. 2017. PubMed ID: 28041643; Table S1, Lin et al. 2024. PubMed ID: 38219857). This variant is reported in 0.0080% of alleles in individuals of African descent in gnomAD. At this time, the clinical significance of this variant is uncertain due to the absence of conclusive functional and genetic evidence.

Labcorp Genetics (formerly Invitae), Labcorp
Classification: Uncertain significance for Bardet-Biedl syndrome. Last evaluated: 2022-06-27. Review status: criteria provided, single submitter. Criteria: Invitae Variant Classification Sherloc (09022015). Collection method: clinical testing. Allele origin: germline.
Comment: This sequence change affects codon 300 of the BBS5 mRNA. It is a 'silent' change, meaning that it does not change the encoded amino acid sequence of the BBS5 protein. This variant also falls at the last nucleotide of exon 10, which is part of the consensus splice site for this exon. This variant is present in population databases (rs757001492, gnomAD 0.008%). This variant has been observed in individual(s) with inherited retinal dystrophy (PMID: 28041643). ClinVar contains an entry for this variant (Variation ID: 437994). Variants that disrupt the consensus splice site are a relatively common cause of aberrant splicing (PMID: 17576681, 9536098). Algorithms developed to predict the effect of sequence changes on RNA splicing suggest that this variant may create or strengthen a splice site. In summary, the available evidence is currently insufficient to determine the role of this variant in disease. Therefore, it has been classified as a Variant of Uncertain Significance.

Women's Health and Genetics/Laboratory Corporation of America, LabCorp
Classification: Uncertain significance. Last evaluated: 2022-02-21. Review status: criteria provided, single submitter. Criteria: LabCorp Variant Classification Summary - May 2015. Collection method: clinical testing. Allele origin: germline.
Comment: Variant summary: BBS5 c.900G>C (p.Val300Val) alters a conserved nucleotide located close to a canonical splice site and therefore could affect mRNA splicing, leading to a significantly altered protein sequence. Several computational tools predict a significant impact on normal splicing: Two predict the variant abolishes a canonical 5 prime splicing donor site. One predict the variant weakens a canonical 5 prime donor site. However, these predictions have yet to be confirmed by functional studies. The variant allele was found at a frequency of 2.4e-05 in 250602 control chromosomes (gnomAD). The available data on variant occurrences in the general population are insufficient to allow any conclusion about variant significance. c.900G>C has been reported in the literature in an individual affected with cone dystrophy without strong evidence for causality (Carss_2017). These data do not allow any conclusion about variant significance. To our knowledge, no experimental evidence demonstrating an impact on protein function has been reported. One clinical diagnostic laboratory has submitted clinical-significance assessments for this variant to ClinVar after 2014 and classified the variant as likely benign. Based on the evidence outlined above, the variant was classified as uncertain significance.

Institute of Human Genetics, Univ. Regensburg, Univ. Regensburg
Classification: Uncertain significance for Retinal dystrophy. Last evaluated: 2022-01-01. Review status: criteria provided, single submitter. Criteria: ACMG Guidelines, 2015. Collection method: clinical testing. Allele origin: germline. Affected: yes.

Fulgent Genetics
Classification: Uncertain significance for Bardet-Biedl syndrome 5. Last evaluated: 2021-11-10. Review status: criteria provided, single submitter. Criteria: ACMG Guidelines, 2015. Collection method: clinical testing. Allele origin: unknown.

NIHR Bioresource Rare Diseases, University of Cambridge
Classification: Likely benign for Cone-rod dystrophy. Last evaluated: 2015-01-01. Review status: no assertion criteria provided. Collection method: research. Allele origin: unknown. Affected: yes. Observed: 1 variant allele. Not counted in ClinVar's aggregate classification.

Literature cited by the submitters: PubMed 28041643 (cited by 4 submitters); PubMed 17576681 (cited by Labcorp Genetics (formerly Invitae), Labcorp); PubMed 9536098 (cited by Labcorp Genetics (formerly Invitae), Labcorp).